The following is an entry in ClinVar:

ClinVar aggregate classification (germline): Likely benign (1 of 4 stars; one submission).

gnomAD v4.1: 52 of 1,210,287 alleles (0.0043%); highest among the groups gnomAD compares: Non-Finnish European, 0.0054%; no homozygotes.

Submission:

CeGaT Center for Human Genetics Tuebingen
Classification: Likely benign. Last evaluated: 2026-07-01. Review status: criteria provided, single submitter. Criteria: CeGaT Center For Human Genetics Tuebingen Variant Classification Criteria Version 2. Collection method: clinical testing. Allele origin: germline. Affected: yes. Observed: 1 variant allele.
Comment: PGAM4: BP4, BP7, BS2

NM_001029891.3(PGAM4):c.426T>C (p.Tyr142=)

Genes: ATP7A (ATPase copper transporting alpha; plus strand), PGAM4 (phosphoglycerate mutase family member 4; minus strand). Cytogenetic location: Xq21.1.
Variant type: single nucleotide variant.
Coding change: c.426T>C on transcript NM_001029891.3 (MANE Select); coding-DNA position 426, T replaced by C.
Protein change: p.Tyr142=; no amino-acid change (tyrosine 142 retained).
Molecular consequence: synonymous variant. On other transcripts: intron variant (2).
Genome position (GRCh38, 1-based): chrX:77,969,213, A>G on the plus strand (T>C on the coding strand, the complement: PGAM4 is on the minus strand). VCF-style: chrX-77969213-A-G. GRCh37 (hg19) VCF-style: chrX-77224710-A-G.
Other names: c.-21-2408A>G (NM_000052.7, NM_001282224.2).
Identifiers: ClinVar variation 4872555 (VCV004872555.2).